The following is an entry in ClinVar:

NM_004369.4(COL6A3):c.4789C>T (p.Arg1597Ter)

Gene: COL6A3 (collagen type VI alpha 3 chain; minus strand). Cytogenetic location: 2q37.3.
Variant type: single nucleotide variant.
Coding change: c.4789C>T on transcript NM_004369.4 (MANE Select); coding-DNA position 4789, C replaced by T.
Protein change: p.Arg1597Ter; replaces arginine 1597 with a stop codon.
Molecular consequence: nonsense.
Genome position (GRCh38, 1-based): chr2:237,368,674, G>A on the plus strand (C>T on the coding strand, the complement: COL6A3 is on the minus strand). VCF-style: chr2-237368674-G-A. GRCh37 (hg19) VCF-style: chr2-238277317-G-A.
Other names: c.2968C>T, p.Arg990Ter (NM_057166.5); c.4171C>T, p.Arg1391Ter (NM_057167.4); short protein forms R1391*, R1597*, R990*.
Identifiers: ClinVar variation 3050998 (VCV003050998.3), dbSNP rs758626447, ClinGen allele CA2188813.
Genomic context (GRCh38, chr2:237,368,674, plus strand): 5'-CGGAGGGTCCAAACGAGTTCATGATTCTTTCTTCTATGTTGGGAAGCTCTCTGAACTCTC[G>A]CACTGTGAAGACCAGTCTGGGGTCATTGGTGATGGTCTGCAGCTCTGTTCTGTCGATGTT-3'

ClinVar aggregate classification (germline): Pathogenic. Review status: criteria provided, single submitter (1 of 4 stars). 3 submissions from 3 submitters: Pathogenic (1). 2 of the submissions do not count toward it. Last evaluated 2026-01-06.

Conditions:
COL6A3-related disorder. Also called: COL6A3-related disorders; COL6A3-related condition.
Bethlem myopathy 1C (BTHLM1C). Identifiers: MedGen C5935581, MONDO:0958234, OMIM 620726.
Bethlem myopathy 1A. Also called: MYOPATHY, BENIGN CONGENITAL, WITH CONTRACTURES; Bethlem myopathy 1; Bethlem Muscular Dystrophy. Identifiers: Orphanet 610, MedGen CN029274, MONDO:0024530, OMIM 158810.

Allele frequency attached by ClinVar (database versions not stated): ExAC 0.00001.
gnomAD v4.1: 9 of 1,614,014 alleles (0.00056%); highest among the groups gnomAD compares: African/African-American, 0.0027%; no homozygotes.

Submissions (3):

Labcorp Genetics (formerly Invitae), Labcorp
Classification: Pathogenic for Bethlem myopathy 1A. Last evaluated: 2026-01-06. Review status: criteria provided, single submitter. Criteria: Invitae Variant Classification Sherloc (09022015). Collection method: clinical testing. Allele origin: germline.
Comment: This sequence change creates a premature translational stop signal (p.Arg1597*) in the COL6A3 gene. It is expected to result in an absent or disrupted protein product. Loss-of-function variants in COL6A3 are known to be pathogenic (PMID: 26004199). This variant is present in population databases (rs758626447, gnomAD 0.004%). This premature translational stop signal has been observed in individual(s) with myopathy (PMID: 33749658). ClinVar contains an entry for this variant (Variation ID: 3050998). For these reasons, this variant has been classified as Pathogenic.

OMIM
Classification: Pathogenic for BETHLEM MYOPATHY 1C, AUTOSOMAL RECESSIVE. Last evaluated: 2024-07-15. Review status: no assertion criteria provided. Collection method: literature only. Allele origin: germline. Not counted in ClinVar's aggregate classification.

PreventionGenetics, part of Exact Sciences
Classification: Likely pathogenic for COL6A3-related condition. Last evaluated: 2023-10-30. Review status: no assertion criteria provided. Collection method: clinical testing. Allele origin: germline. Not counted in ClinVar's aggregate classification.
Comment: The COL6A3 c.4789C>T variant is predicted to result in premature protein termination (p.Arg1597*). This variant has been reported in the compound heterozygous state in two siblings with Collagen VI-related myopathies (Villar-Quiles et al. 2021. PubMed ID: 33749658). This variant is reported in 0.0028% of alleles in individuals of Latino descent in gnomAD. Nonsense variants in COL6A3 are expected to be pathogenic. This variant is interpreted as likely pathogenic.

Literature cited by the submitters: PubMed 26004199 (cited by Labcorp Genetics (formerly Invitae), Labcorp); PubMed 33749658 (cited by Labcorp Genetics (formerly Invitae), Labcorp and OMIM).